The following is an entry in ClinVar:

NM_000429.3(MAT1A):c.529C>T (p.Arg177Trp)

Gene: MAT1A (methionine adenosyltransferase 1A; minus strand). Cytogenetic location: 10q22.3.
Variant type: single nucleotide variant.
Coding change: c.529C>T on transcript NM_000429.3 (MANE Select); coding-DNA position 529, C replaced by T.
Protein change: p.Arg177Trp; replaces arginine 177 with tryptophan.
Molecular consequence: missense variant.
Genome position (GRCh38, 1-based): chr10:80,280,193, G>A on the plus strand (C>T on the coding strand, the complement: MAT1A is on the minus strand). VCF-style: chr10-80280193-G-A. GRCh37 (hg19) VCF-style: chr10-82039949-G-A.
Other names: short protein forms R177W.
Identifiers: ClinVar variation 426944 (VCV000426944.19), dbSNP rs376757912, ClinGen allele CA5576773.

ClinVar aggregate classification (germline): Conflicting classifications of pathogenicity. Review status: criteria provided, conflicting classifications (1 of 4 stars). 6 submissions from 6 submitters: Pathogenic (3); Likely pathogenic (2); Uncertain significance (1). Last evaluated 2025-10-08.

Conditions:
Hepatic methionine adenosyltransferase deficiency. Also called: MAT I/III DEFICIENCY; Deficiency of methionine adenosyltransferase; Methionine adenosyltransferase deficiency; Isolated Persistent Hypermethioninemia. Identifiers: Orphanet 168598, MedGen C0268621, MeSH C564683, MONDO:0009607, OMIM 250850.
MAT1A-related disorder. Also called: MAT1A-related condition.

Allele frequency attached by ClinVar (database versions not stated): gnomAD 0.00003 and 0.00004; gnomAD exomes 0.00003 and 0.00008; TOPMed 0.00006; ExAC 0.00010; ESP Exome Variant Server 0.00015; 1000 Genomes Project 0.00040; 1000 Genomes Project 30x 0.00062.
gnomAD v4.1: 46 of 1,614,082 alleles (0.0028%); highest among the groups gnomAD compares: South Asian, 0.026%; no homozygotes.

Submissions (6):

Labcorp Genetics (formerly Invitae), Labcorp
Classification: Pathogenic for Hepatic methionine adenosyltransferase deficiency. Last evaluated: 2025-10-08. Review status: criteria provided, single submitter. Criteria: Invitae Variant Classification Sherloc (09022015). Collection method: clinical testing. Allele origin: germline.
Comment: This sequence change replaces arginine, which is basic and polar, with tryptophan, which is neutral and slightly polar, at codon 177 of the MAT1A protein (p.Arg177Trp). This variant is present in population databases (rs376757912, gnomAD 0.04%). This missense change has been observed in individual(s) with autosomal recessive hypermethioninemia (PMID: 24445979, 26289392, 28186605, 31061746; internal data). In at least one individual the data is consistent with being in trans (on the opposite chromosome) from a pathogenic variant. ClinVar contains an entry for this variant (Variation ID: 426944). Invitae Evidence Modeling of protein sequence and biophysical properties (such as structural, functional, and spatial information, amino acid conservation, physicochemical variation, residue mobility, and thermodynamic stability) has been performed for this missense variant. However, the output from this modeling did not meet the statistical confidence thresholds required to predict the impact of this variant on MAT1A protein function. For these reasons, this variant has been classified as Pathogenic.

Women's Health and Genetics/Laboratory Corporation of America, LabCorp
Classification: Pathogenic for Hepatic methionine adenosyltransferase deficiency. Last evaluated: 2025-05-22. Review status: criteria provided, single submitter. Criteria: LabCorp Variant Classification Summary - May 2015. Collection method: clinical testing. Allele origin: germline.
Comment: Variant summary: MAT1A c.529C>T (p.Arg177Trp) results in a non-conservative amino acid change located in the S-adenosylmethionine synthetase, central domain (IPR022629) of the encoded protein sequence. Algorithms developed to predict the effect of missense changes on protein structure and function all suggest that this variant is likely to be disruptive. The variant allele was found at a frequency of 7.6e-05 in 251364 control chromosomes. This frequency is not significantly higher than estimated for a pathogenic variant in MAT1A causing Hepatic methionine adenosyltransferase deficiency, allowing no conclusion about variant significance. c.529C>T has been observed in multiple individuals affected with Hepatic methionine adenosyltransferase deficiency including as a homozygous, compound heterozygous, or unreported genotype (e.g. Chien_2015, Chadwick_2014, Sen_2019, Sun_2017, Zhao_2022, Internal data). These data indicate that the variant is very likely to be associated with disease. To our knowledge, no experimental evidence demonstrating an impact on protein function has been reported. ClinVar contains an entry for this variant (Variation ID: 426944). Based on the evidence outlined above, the variant was classified as pathogenic.

GeneDx
Classification: Likely pathogenic. Last evaluated: 2025-02-28. Review status: criteria provided, single submitter. Criteria: GeneDx Variant Classification Process June 2021. Collection method: clinical testing. Allele origin: germline. Affected: yes.
Comment: Not observed at significant frequency in large population cohorts (gnomAD); In silico analysis supports that this missense variant has a deleterious effect on protein structure/function; This variant is associated with the following publications: (PMID: 26933843, 26289392, 24445979, 35760084, 31061746, 38380423, 28186605)

Blueprint Genetics
Classification: Likely pathogenic for MAT1A-related disorders. Last evaluated: 2024-07-04. Review status: criteria provided, single submitter. Criteria: ACMG Guidelines, 2015. Collection method: clinical testing. Allele origin: germline. Affected: yes. Observed: 3 variant alleles.

Revvity Omics, Revvity
Classification: Uncertain significance for Hepatic methionine adenosyltransferase deficiency. Last evaluated: 2024-02-14. Review status: criteria provided, single submitter. Criteria: ACMG Guidelines, 2015. Collection method: clinical testing. Allele origin: germline.

PreventionGenetics, part of Exact Sciences
Classification: Pathogenic for MAT1A-related condition. Last evaluated: 2023-05-24. Review status: criteria provided, single submitter. Criteria: ACMG Guidelines, 2015. Collection method: clinical testing. Allele origin: germline.
Comment: The MAT1A c.529C>T variant is predicted to result in the amino acid substitution p.Arg177Trp. This variant has been reported in the homozygous or compound heterozygous state in individuals with hypermethioninemia (Chien et al 2015. PubMed ID: 26289392; Sun et al 2017. PubMed ID: 28186605; Zhao et al. 2022. PubMed ID: 35760084). It has also been reported in patients with abnormal newborn screen results (Chadwick et al 2014. PubMed ID: 24445979; Sen et al. 2019. PubMed ID: 31061746; Zhang et al. 2020. PubMed ID: 31851615). This variant is reported in 0.039% of alleles in individuals of South Asian descent in gnomAD. This variant is interpreted as pathogenic.

Literature cited by the submitters: PubMed 24445979 (cited by Labcorp Genetics (formerly Invitae), Labcorp and Women's Health and Genetics/Laboratory Corporation of America, LabCorp); PubMed 26289392 (cited by Labcorp Genetics (formerly Invitae), Labcorp and Women's Health and Genetics/Laboratory Corporation of America, LabCorp); PubMed 28186605 (cited by Labcorp Genetics (formerly Invitae), Labcorp and Women's Health and Genetics/Laboratory Corporation of America, LabCorp); PubMed 31061746 (cited by Labcorp Genetics (formerly Invitae), Labcorp and Women's Health and Genetics/Laboratory Corporation of America, LabCorp); PubMed 35760084 (cited by Women's Health and Genetics/Laboratory Corporation of America, LabCorp).